The following is an entry in ClinVar:

NM_004104.5(FASN):c.5545A>T (p.Ile1849Phe)

Gene: FASN (fatty acid synthase; minus strand). Cytogenetic location: 17q25.3.
Variant type: single nucleotide variant.
Coding change: c.5545A>T on transcript NM_004104.5 (MANE Select); coding-DNA position 5545, A replaced by T.
Protein change: p.Ile1849Phe; replaces isoleucine 1849 with phenylalanine.
Molecular consequence: missense variant.
Genome position (GRCh38, 1-based): chr17:82,083,222, T>A on the plus strand (A>T on the coding strand, the complement: FASN is on the minus strand). VCF-style: chr17-82083222-T-A. GRCh37 (hg19) VCF-style: chr17-80041098-T-A.
Other names: short protein forms I1849F.
Identifiers: ClinVar variation 1982557 (VCV001982557.4), dbSNP rs770338422, ClinGen allele CA401537531.

ClinVar aggregate classification (germline): Uncertain significance (1 of 4 stars; one submission).

Conditions:
Epileptic encephalopathy. Identifiers: MedGen C0543888, HP:0200134.

gnomAD v4.1: 1 of 1,612,716 alleles (0.000062%); highest among the groups gnomAD compares: East Asian, 0.0022%; no homozygotes.

Submission:

Labcorp Genetics (formerly Invitae), Labcorp
Classification: Uncertain significance for Epileptic encephalopathy. Last evaluated: 2022-02-09. Review status: criteria provided, single submitter. Criteria: Invitae Variant Classification Sherloc (09022015). Collection method: clinical testing. Allele origin: germline.
Comment: In summary, the available evidence is currently insufficient to determine the role of this variant in disease. Therefore, it has been classified as a Variant of Uncertain Significance. Algorithms developed to predict the effect of missense changes on protein structure and function are either unavailable or do not agree on the potential impact of this missense change (SIFT: "Deleterious"; PolyPhen-2: "Probably Damaging"; Align-GVGD: "Class C0"). This variant has not been reported in the literature in individuals affected with FASN-related conditions. This variant is present in population databases (no rsID available, gnomAD 0.006%). This sequence change replaces isoleucine, which is neutral and non-polar, with phenylalanine, which is neutral and non-polar, at codon 1849 of the FASN protein (p.Ile1849Phe).